The following is an entry in ClinVar:

ClinVar aggregate classification (germline): Pathogenic (1 of 4 stars; one submission).

Submission:

CeGaT Center for Human Genetics Tuebingen
Classification: Pathogenic. Last evaluated: 2026-08-01. Review status: criteria provided, single submitter. Criteria: CeGaT Center For Human Genetics Tuebingen Variant Classification Criteria Version 2. Collection method: clinical testing. Allele origin: germline. Affected: yes. Observed: 2 variant alleles.
Comment: GLDC: PVS1, PM2

NM_000170.3(GLDC):c.869_882del (p.Ala290fs)

Gene: GLDC (glycine decarboxylase; minus strand). Cytogenetic location: 9p24.1.
Variant type: Deletion.
Coding change: c.869_882del on transcript NM_000170.3 (MANE Select); coding-DNA positions 869 to 882, 14 bases deleted (CCTGCTGTGCTACT).
Protein change: p.Ala290fs; shifts the reading frame from alanine 290.
Molecular consequence: frameshift variant.
Genome position (GRCh38, 1-based): chr9:6,604,764-6,604,777, AGTAGCACAGCAGG deleted on the plus strand (CCTGCTGTGCTACT on the coding strand, the reverse complement: GLDC is on the minus strand). VCF-style (leftmost placement, unchanged base first): chr9-6604763-CAGTAGCACAGCAGG-C. GRCh37 (hg19) VCF-style: chr9-6604763-CAGTAGCACAGCAGG-C.
Other names: short protein forms A290fs.
Identifiers: ClinVar variation 5040307 (VCV005040307.1).